The following is an entry in ClinVar:

NM_000784.4(CYP27A1):c.450_451del (p.Gly151fs)

Gene: CYP27A1 (cytochrome P450 family 27 subfamily A member 1; plus strand). Cytogenetic location: 2q35.
Variant type: Deletion.
Coding change: c.450_451del on transcript NM_000784.4 (MANE Select); coding-DNA positions 450 to 451, 2 bases deleted (AG; older notation c.450_451delAG).
Protein change: p.Gly151fs; shifts the reading frame from glycine 151.
Molecular consequence: frameshift variant.
Genome position (GRCh38, 1-based): chr2:218,812,225-218,812,226, AG deleted. VCF-style (leftmost placement, unchanged base first): chr2-218812224-AAG-A. GRCh37 (hg19) VCF-style: chr2-219676947-AAG-A.
Other names: short protein forms G151fs.
Identifiers: ClinVar variation 4854158 (VCV004854158.1).

ClinVar aggregate classification (germline): Likely pathogenic (1 of 4 stars; one submission).

Conditions:
Cholestanol storage disease (CTX). Also called: Cerebrotendinous Xanthomatosis; CTX: Cerebrotendinous xanthomatosis; CEREBRAL CHOLESTERINOSIS. Identifiers: Orphanet 909, MedGen C0238052, MONDO:0008948, OMIM 213700.

Submission:

3billion
Classification: Likely pathogenic for Cholestanol storage disease. Last evaluated: 2025-11-11. Review status: criteria provided, single submitter. Criteria: ACMG Guidelines, 2015. Collection method: clinical testing. Allele origin: germline. Affected: yes.
Comment: The variant is observed at an extremely low frequency in the gnomAD v4.1.0 dataset (total allele frequency: <0.001%). Predicted Consequence/Location: Canonical splice site: predicted to alter splicing and result in a loss or disruption of normal protein function. Multiple pathogenic loss-of-function variants are reported downstream of the variant. The variant has been reported at least twice as pathogenic with clinical assertions and evidence for the classification (ClinVar ID: VCV002158077 /PMID: 33458645). Therefore, this variant is classified as Pathogenic according to the recommendation of ACMG/AMP guideline.